The following is an entry in ClinVar:

NM_057176.3(BSND):c.273-2A>G

Gene: BSND (barttin CLCNK type accessory subunit beta; plus strand). Cytogenetic location: 1p32.3.
Variant type: single nucleotide variant.
Coding change: c.273-2A>G on transcript NM_057176.3 (MANE Select); the canonical splice acceptor site of the intron before coding-DNA position 273, A replaced by G.
Molecular consequence: splice acceptor variant.
Genome position (GRCh38, 1-based): chr1:55,006,995, A>G. VCF-style: chr1-55006995-A-G. GRCh37 (hg19) VCF-style: chr1-55472668-A-G.
Identifiers: ClinVar variation 2039849 (VCV002039849.4), dbSNP rs2523082824, ClinGen allele CA340473094.

ClinVar aggregate classification (germline): Likely pathogenic (1 of 4 stars; one submission).

Submission:

Labcorp Genetics (formerly Invitae), Labcorp
Classification: Likely pathogenic. Last evaluated: 2021-12-11. Review status: criteria provided, single submitter. Criteria: Invitae Variant Classification Sherloc (09022015). Collection method: clinical testing. Allele origin: germline.
Comment: In summary, the currently available evidence indicates that the variant is pathogenic, but additional data are needed to prove that conclusively. Therefore, this variant has been classified as Likely Pathogenic. Algorithms developed to predict the effect of sequence changes on RNA splicing suggest that this variant may disrupt the consensus splice site. This variant has not been reported in the literature in individuals affected with BSND-related conditions. This variant is not present in population databases (gnomAD no frequency). This sequence change affects an acceptor splice site in intron 2 of the BSND gene. It is expected to disrupt RNA splicing. Variants that disrupt the donor or acceptor splice site typically lead to a loss of protein function (PMID: 16199547), and loss-of-function variants in BSND are known to be pathogenic (PMID: 11687798).

Literature cited by the submitters: PubMed 16199547; PubMed 11687798.